The following is an entry in ClinVar:

NM_000443.4(ABCB4):c.2837C>A (p.Ala946Glu)

Gene: ABCB4 (ATP binding cassette subfamily B member 4; minus strand). Cytogenetic location: 7q21.12.
Variant type: single nucleotide variant.
Coding change: c.2837C>A on transcript NM_000443.4 (MANE Select); coding-DNA position 2837, C replaced by A.
Protein change: p.Ala946Glu; replaces alanine 946 with glutamic acid.
Molecular consequence: missense variant. On other transcripts: intron variant (1).
Genome position (GRCh38, 1-based): chr7:87,411,980, G>T on the plus strand (C>A on the coding strand, the complement: ABCB4 is on the minus strand). VCF-style: chr7-87411980-G-T. GRCh37 (hg19) VCF-style: chr7-87041296-G-T.
Other names: p.Ala946Glu; c.2837C>A, p.Ala946Glu (NM_018849.3); c.2783+1637C>A (NM_018850.3); short protein forms A946E.
Identifiers: ClinVar variation 3379772 (VCV003379772.1).
Genomic context (GRCh38, chr7:87,411,980, plus strand): 5'-CCATTCACAATGAGATATGCACCAAATCGAAAACAACCGGCATAGGAAAAATACATAAAT[G>T]CTTGTGAGATACTAAAAGTAATTCCATAGATGTGTGCCTTCTGCACAGAATTCCTGAAAA-3'
Protein context (NP_000434.1, residues 936-956): IYGITFSISQ[Ala946Glu]FMYFSYAGCF

ClinVar aggregate classification (germline): Uncertain significance (1 of 4 stars; one submission).

Submission:

Mayo Clinic Laboratories, Mayo Clinic
Classification: Uncertain significance. Last evaluated: 2024-06-13. Review status: criteria provided, single submitter. Criteria: ACMG Guidelines, 2015. Collection method: clinical testing. Allele origin: germline. Observed: 1 variant allele.
Comment: PP3, PM2

Literature cited by the submitters: PubMed 20537830; PubMed 22331132.